The following is an entry in ClinVar:

ClinVar aggregate classification (germline): Uncertain significance (0 of 4 stars; one submission).

Conditions:
DLD-related disorder. Also called: DLD-related condition; DLD-related disorders.

Allele frequency attached by ClinVar (database versions not stated): gnomAD exomes below 0.00001.
gnomAD v4.1: 1 of 1,613,562 alleles (0.000062%); highest among the groups gnomAD compares: Non-Finnish European, 0.000085%; no homozygotes.

Submission:

PreventionGenetics, part of Exact Sciences
Classification: Uncertain significance for DLD-related condition. Last evaluated: 2024-02-15. Review status: no assertion criteria provided. Collection method: clinical testing. Allele origin: germline.
Comment: The DLD c.73C>T variant is predicted to result in premature protein termination (p.Gln25*). To our knowledge, this variant has not been reported in the literature or in a large population database, indicating this variant is rare. Although we suspect that this variant may be pathogenic, at this time, the clinical significance of this variant is uncertain due to the absence of conclusive functional and genetic evidence.

NM_000108.5(DLD):c.73C>T (p.Gln25Ter)

Gene: DLD (dihydrolipoamide dehydrogenase; plus strand). Cytogenetic location: 7q31.1.
Variant type: single nucleotide variant.
Coding change: c.73C>T on transcript NM_000108.5 (MANE Select); coding-DNA position 73, C replaced by T.
Protein change: p.Gln25Ter; replaces glutamine 25 with a stop codon.
Molecular consequence: nonsense. On other transcripts: 5 prime UTR variant (1).
Genome position (GRCh38, 1-based): chr7:107,893,233, C>T. VCF-style: chr7-107893233-C-T. GRCh37 (hg19) VCF-style: chr7-107533678-C-T.
Other names: c.-76C>T (NM_001289750.1); c.73C>T, p.Gln25Ter (NM_001289751.1, NM_001289752.1); short protein forms Q25*.
Identifiers: ClinVar variation 3032685 (VCV003032685.2), dbSNP rs2535560917, ClinGen allele CA368852979.